The following is an entry in ClinVar:

ClinVar aggregate classification (germline): Uncertain significance. Review status: criteria provided, multiple submitters, no conflicts (2 of 4 stars). 4 submissions from 4 submitters: Uncertain significance (4). Last evaluated 2025-09-10.

Conditions:
Intellectual disability, autosomal recessive 53 (NEDHSCA). Also called: NEURODEVELOPMENTAL DISORDER WITH OR WITHOUT HYPOTONIA, SEIZURES, AND CEREBELLAR ATROPHY; GLYCOSYLPHOSPHATIDYLINOSITOL BIOSYNTHESIS DEFECT 13; Mental retardation, autosomal recessive 53. Identifiers: Orphanet 488635, MedGen C4310794, MONDO:0014832, OMIM 616917.
Inborn genetic diseases. Identifiers: MedGen C0950123, MeSH D030342.

Allele frequency attached by ClinVar (database versions not stated): ExAC 0.00004; gnomAD exomes 0.00007 and 0.00015; TOPMed 0.00008; gnomAD 0.00011.
gnomAD v4.1: 242 of 1,613,516 alleles (0.015%); highest among the groups gnomAD compares: Non-Finnish European, 0.019%; no homozygotes.

Submissions (4):

Ambry Genetics
Classification: Uncertain significance for Inborn genetic diseases. Last evaluated: 2025-09-10. Review status: criteria provided, single submitter. Criteria: Ambry Variant Classification Scheme 2023. Collection method: clinical testing. Allele origin: germline.

GeneDx
Classification: Uncertain significance. Last evaluated: 2022-11-19. Review status: criteria provided, single submitter. Criteria: GeneDx Variant Classification Process June 2021. Collection method: clinical testing. Allele origin: germline. Affected: yes.
Comment: In silico analysis supports that this missense variant has a deleterious effect on protein structure/function; Has not been previously published as pathogenic or benign to our knowledge

Labcorp Genetics (formerly Invitae), Labcorp
Classification: Uncertain significance for Intellectual disability, autosomal recessive 53. Last evaluated: 2022-08-23. Review status: criteria provided, single submitter. Criteria: Invitae Variant Classification Sherloc (09022015). Collection method: clinical testing. Allele origin: germline.
Comment: This sequence change replaces threonine, which is neutral and polar, with isoleucine, which is neutral and non-polar, at codon 287 of the PIGG protein (p.Thr287Ile). This variant is present in population databases (rs749995536, gnomAD 0.02%). This variant has not been reported in the literature in individuals affected with PIGG-related conditions. ClinVar contains an entry for this variant (Variation ID: 837646). Algorithms developed to predict the effect of missense changes on protein structure and function are either unavailable or do not agree on the potential impact of this missense change (SIFT: "Deleterious"; PolyPhen-2: "Probably Damaging"; Align-GVGD: "Class C0"). Algorithms developed to predict the effect of sequence changes on RNA splicing suggest that this variant may disrupt the consensus splice site. In summary, the available evidence is currently insufficient to determine the role of this variant in disease. Therefore, it has been classified as a Variant of Uncertain Significance.

Blueprint Genetics
Classification: Uncertain significance. Last evaluated: 2022-03-29. Review status: criteria provided, single submitter. Criteria: ACMG Guidelines, 2015. Collection method: clinical testing. Allele origin: germline.

NM_001127178.3(PIGG):c.860C>T (p.Thr287Ile)

Gene: PIGG (phosphatidylinositol glycan anchor biosynthesis class G (EMM blood group); plus strand). Cytogenetic location: 4p16.3.
Variant type: single nucleotide variant.
Coding change: c.860C>T on transcript NM_001127178.3 (MANE Select); coding-DNA position 860, C replaced by T.
Protein change: p.Thr287Ile; replaces threonine 287 with isoleucine.
Molecular consequence: missense variant. On other transcripts: 5 prime UTR variant (3), non-coding transcript variant (10), intron variant (1).
Genome position (GRCh38, 1-based): chr4:508,929, C>T. VCF-style: chr4-508929-C-T. GRCh37 (hg19) VCF-style: chr4-502718-C-T.
Other names: c.593C>T, p.Thr198Ile (NM_001289051.2, NM_001289053.2, NM_001289057.2 and 2 more transcripts); c.461C>T, p.Thr154Ile (NM_001289052.2); c.494C>T, p.Thr165Ile (NM_001289055.2); c.860C>T, p.Thr287Ile (NM_001345989.2, NM_017733.5); c.-766C>T (NM_001345990.2); c.-628C>T (NM_001345991.2); c.-353C>T (NM_001345994.2); c.-129+1336C>T (NM_001345988.2); and 1 more; short protein forms T165I, T154I, T198I, T287I.
Identifiers: ClinVar variation 837646 (VCV000837646.10), dbSNP rs749995536, ClinGen allele CA2793120.